The following is an entry in ClinVar:

NM_001378454.1(ALMS1):c.759T>A (p.Pro253=)

Gene: ALMS1 (ALMS1 centrosome and basal body associated protein; plus strand). Cytogenetic location: 2p13.1.
Variant type: single nucleotide variant.
Coding change: c.759T>A on transcript NM_001378454.1 (MANE Select); coding-DNA position 759, T replaced by A.
Protein change: p.Pro253=; no amino-acid change (proline 253 retained).
Molecular consequence: synonymous variant.
Genome position (GRCh38, 1-based): chr2:73,422,969, T>A. VCF-style: chr2-73422969-T-A. GRCh37 (hg19) VCF-style: chr2-73650097-T-A.
Other names: c.762T>A, p.Pro254= (NM_015120.4).
Identifiers: ClinVar variation 391952 (VCV000391952.21), dbSNP rs201478438, ClinGen allele CA1712945.

ClinVar aggregate classification (germline): Conflicting classifications of pathogenicity. Review status: criteria provided, conflicting classifications (1 of 4 stars). 6 submissions from 6 submitters: Uncertain significance (1); Likely benign (4). 1 of the submissions does not count toward it. Last evaluated 2026-01-24.

Conditions:
Alstrom syndrome (ALMS). Identifiers: Orphanet 64, MedGen C0268425, MONDO:0008763, OMIM 203800.
Cardiovascular phenotype. Identifiers: MedGen CN230736.

Allele frequency attached by ClinVar (database versions not stated): gnomAD exomes 0.00002 and 0.00006; ExAC 0.00008; gnomAD 0.00019 and 0.00021; 1000 Genomes Project 0.00020; TOPMed 0.00020; ESP Exome Variant Server 0.00025; 1000 Genomes Project 30x 0.00031.
gnomAD v4.1: 53 of 1,604,122 alleles (0.0033%); highest among the groups gnomAD compares: African/African-American, 0.067%; no homozygotes.

Submissions (6):

Labcorp Genetics (formerly Invitae), Labcorp
Classification: Likely benign for Alstrom syndrome. Last evaluated: 2026-01-24. Review status: criteria provided, single submitter. Criteria: Invitae Variant Classification Sherloc (09022015). Collection method: clinical testing. Allele origin: germline.

GeneDx
Classification: Uncertain significance. Last evaluated: 2025-12-21. Review status: criteria provided, single submitter. Criteria: GeneDx Variant Classification Process June 2021. Collection method: clinical testing. Allele origin: germline. Affected: yes.
Comment: Has not been previously published as pathogenic or benign to our knowledge; In silico analysis suggests that this variant does not alter splicing

Blueprint Genetics
Classification: Likely benign. Last evaluated: 2024-07-30. Review status: criteria provided, single submitter. Criteria: ACMG Guidelines, 2015. Collection method: clinical testing. Allele origin: germline.

Women's Health and Genetics/Laboratory Corporation of America, LabCorp
Classification: Likely benign. Last evaluated: 2022-12-25. Review status: criteria provided, single submitter. Criteria: LabCorp Variant Classification Summary - May 2015. Collection method: clinical testing. Allele origin: germline.

Ambry Genetics
Classification: Likely benign for Cardiovascular phenotype. Last evaluated: 2019-04-09. Review status: criteria provided, single submitter. Criteria: Ambry Variant Classification Scheme 2023. Collection method: clinical testing. Allele origin: germline.

Natera, Inc.
Classification: Uncertain significance for Alstrom syndrome. Last evaluated: 2020-01-24. Review status: no assertion criteria provided. Collection method: clinical testing. Allele origin: germline. Not counted in ClinVar's aggregate classification.